The following is an entry in ClinVar:

NM_005787.6(ALG3):c.752T>C (p.Leu251Pro)

Gene: ALG3 (ALG3 alpha-1,3- mannosyltransferase; minus strand). Cytogenetic location: 3q27.1.
Variant type: single nucleotide variant.
Coding change: c.752T>C on transcript NM_005787.6 (MANE Select); coding-DNA position 752, T replaced by C.
Protein change: p.Leu251Pro; replaces leucine 251 with proline.
Molecular consequence: missense variant. On other transcripts: non-coding transcript variant (2).
Genome position (GRCh38, 1-based): chr3:184,243,971, A>G on the plus strand (T>C on the coding strand, the complement: ALG3 is on the minus strand). VCF-style: chr3-184243971-A-G. GRCh37 (hg19) VCF-style: chr3-183961759-A-G.
Other names: c.608T>C, p.Leu203Pro (NM_001006941.2); short protein forms L251P, L203P.
Identifiers: ClinVar variation 427137 (VCV000427137.4), dbSNP rs1085307980, ClinGen allele CA355419249.

ClinVar aggregate classification (germline): Uncertain significance. Review status: criteria provided, single submitter (1 of 4 stars). 2 submissions from 2 submitters: Uncertain significance (1). 1 of the submissions does not count toward it. Last evaluated 2025-10-28.

Conditions:
ALG3-congenital disorder of glycosylation. Also called: CARBOHYDRATE-DEFICIENT GLYCOPROTEIN SYNDROME, TYPE IV; CDGS, TYPE IV; ALG3-CDG; CONGENITAL DISORDER OF GLYCOSYLATION, TYPE Id; CDG Id. Identifiers: Orphanet 79321, MedGen C1832736, MONDO:0010998, OMIM 601110.

Submissions (2):

GeneDx
Classification: Uncertain significance. Last evaluated: 2025-10-28. Review status: criteria provided, single submitter. Criteria: GeneDx Variant Classification Process June 2021. Collection method: clinical testing. Allele origin: germline. Affected: yes.
Comment: Reported with a second variant in the ALG3 gene in two siblings with clinical features of ALG3-related congenital disorder of glycosylation (PMID: 33583022); In silico analysis supports that this missense variant has a deleterious effect on protein structure/function; Not observed at significant frequency in large population cohorts (gnomAD); This variant is associated with the following publications: (PMID: 33583022)

University of Washington Center for Mendelian Genomics, University of Washington
Classification: Pathogenic for ALG3-congenital disorder of glycosylation. Review status: no assertion criteria provided. Collection method: research. Allele origin: inherited. Affected: yes. Not counted in ClinVar's aggregate classification.

Literature cited by the submitters: PubMed 33583022 (cited by University of Washington Center for Mendelian Genomics, University of Washington).